The following is an entry in ClinVar:

NM_004247.4(EFTUD2):c.766_767del (p.Cys256fs)

Gene: EFTUD2 (elongation factor Tu GTP binding domain containing 2; minus strand). Cytogenetic location: 17q21.31.
Variant type: Microsatellite.
Coding change: c.766_767del on transcript NM_004247.4 (MANE Select); coding-DNA positions 766 to 767, 2 bases deleted (TG; older notation c.766_767delTG).
Protein change: p.Cys256fs; shifts the reading frame from cysteine 256.
Molecular consequence: frameshift variant.
Genome position (GRCh38, 1-based): chr17:44,876,036-44,876,037, CA deleted on the plus strand (TG on the coding strand, the reverse complement: EFTUD2 is on the minus strand); deleting any 2 consecutive bases within chr17:44,876,036-44,876,041 gives the same sequence; the c. name uses the placement nearest the transcript's 3' end. VCF-style (leftmost placement, unchanged base first): chr17-44876035-GCA-G. GRCh37 (hg19) VCF-style: chr17-42953403-GCA-G.
Other names: c.661_662del, p.Cys221fs (NM_001142605.2); c.766_767del, p.Cys256fs (NM_001258353.2); c.736_737del, p.Cys246fs (NM_001258354.2); short protein forms C221fs, C246fs, C256fs.
Identifiers: ClinVar variation 2663771 (VCV002663771.12), dbSNP rs2508808338, ClinGen allele CA2740093769.

ClinVar aggregate classification (germline): Pathogenic/Likely pathogenic. Review status: criteria provided, multiple submitters, no conflicts (2 of 4 stars). 3 submissions from 3 submitters: Pathogenic (2); Likely pathogenic (1). Last evaluated 2025-05-01.

Conditions:
Mandibulofacial dysostosis-microcephaly syndrome (MFDGA). Also called: Growth and mental retardation, mandibulofacial dysostosis, microcephaly, and cleft palate; Mandibulofacial dysostosis, Guion-Almeida type. Identifiers: Orphanet 79113, MedGen C1864652, MONDO:0012516, OMIM 610536.

Submissions (3):

CeGaT Center for Human Genetics Tuebingen
Classification: Pathogenic. Last evaluated: 2025-05-01. Review status: criteria provided, single submitter. Criteria: CeGaT Center For Human Genetics Tuebingen Variant Classification Criteria Version 2. Collection method: clinical testing. Allele origin: germline. Affected: yes. Observed: 1 variant allele.
Comment: EFTUD2: PVS1, PM2, PS2:Moderate, PS4:Supporting

Daryl Scott Lab, Baylor College of Medicine
Classification: Pathogenic for Mandibulofacial dysostosis-microcephaly syndrome. Last evaluated: 2024-01-01. Review status: criteria provided, single submitter. Criteria: ACMG Guidelines, 2015. Collection method: clinical testing. Allele origin: de novo. Affected: yes. Observed: 1 heterozygote.
Comment: PVS1, PS2, PM2

DECIPHERD-UDD, Universidad del Desarrollo
Classification: Likely pathogenic for Mandibulofacial dysostosis-microcephaly syndrome. Last evaluated: 2023-07-01. Review status: criteria provided, single submitter. Criteria: ACMG Guidelines, 2015. Collection method: research. Allele origin: de novo. Affected: yes.

Literature cited by the submitters: PubMed 38177409 (cited by DECIPHERD-UDD, Universidad del Desarrollo).